The following is an entry in ClinVar:

ClinVar aggregate classification (germline): Uncertain significance (1 of 4 stars; one submission).

Conditions:
Bethlem myopathy 1A. Also called: MYOPATHY, BENIGN CONGENITAL, WITH CONTRACTURES; Bethlem myopathy 1; Bethlem Muscular Dystrophy. Identifiers: Orphanet 610, MedGen CN029274, MONDO:0024530, OMIM 158810.

Submission:

Labcorp Genetics (formerly Invitae), Labcorp
Classification: Uncertain significance for Bethlem myopathy 1A. Last evaluated: 2023-08-30. Review status: criteria provided, single submitter. Criteria: Invitae Variant Classification Sherloc (09022015). Collection method: clinical testing. Allele origin: germline.
Comment: In summary, the available evidence is currently insufficient to determine the role of this variant in disease. Therefore, it has been classified as a Variant of Uncertain Significance. This variant disrupts the p.Gly2053 amino acid residue in COL6A3. Other variant(s) that disrupt this residue have been determined to be pathogenic (PMID: 24038877, 24907562; Invitae). This suggests that this residue is clinically significant, and that variants that disrupt this residue are likely to be disease-causing. This variant disrupts the triple helix domain of COL6A3. Glycine residues within the Gly-Xaa-Yaa repeats of the triple helix domain are required for the structure and stability of fibrillar collagens (PMID: 7695699, 8218237, 19344236). In COL6A3, missense variants at these glycine residues are significantly enriched in individuals with autosomal dominant disease (PMID: 15689448, 24038877) compared to the general population (ExAC). Algorithms developed to predict the effect of sequence changes on RNA splicing suggest that this variant may create or strengthen a splice site. An algorithm developed to predict the effect of missense changes on protein structure and function (PolyPhen-2) suggests that this variant is likely to be disruptive. ClinVar contains an entry for this variant (Variation ID: 1978065). This variant has not been reported in the literature in individuals affected with COL6A3-related conditions. This variant is not present in population databases (gnomAD no frequency). This sequence change replaces glycine, which is neutral and non-polar, with arginine, which is basic and polar, at codon 2053 of the COL6A3 protein (p.Gly2053Arg).

Literature cited by the submitters: PubMed 24038877; PubMed 24907562; PubMed 7695699; PubMed 8218237; PubMed 19344236; PubMed 15689448.

NM_004369.4(COL6A3):c.6157G>C (p.Gly2053Arg)

Gene: COL6A3 (collagen type VI alpha 3 chain; minus strand). Cytogenetic location: 2q37.3.
Variant type: single nucleotide variant.
Coding change: c.6157G>C on transcript NM_004369.4 (MANE Select); coding-DNA position 6157, G replaced by C.
Protein change: p.Gly2053Arg; replaces glycine 2053 with arginine.
Molecular consequence: missense variant.
Genome position (GRCh38, 1-based): chr2:237,361,174, C>G on the plus strand (G>C on the coding strand, the complement: COL6A3 is on the minus strand). VCF-style: chr2-237361174-C-G. GRCh37 (hg19) VCF-style: chr2-238269817-C-G.
Other names: c.4336G>C, p.Gly1446Arg (NM_057166.5); c.5539G>C, p.Gly1847Arg (NM_057167.4); short protein forms G1847R, G2053R, G1446R.
Identifiers: ClinVar variation 1978065 (VCV001978065.5), dbSNP rs1559228507, ClinGen allele CA351217582.